The following is an entry in ClinVar:

ClinVar aggregate classification (germline): Likely benign. Review status: criteria provided, multiple submitters, no conflicts (2 of 4 stars). 3 submissions from 3 submitters: Likely benign (3). Last evaluated 2025-11-23.

Conditions:
Charcot-Marie-Tooth disease axonal type 2O. Also called: Charcot-Marie-Tooth Neuropathy Type 2O; CHARCOT-MARIE-TOOTH NEUROPATHY, AXONAL, TYPE 2O; CHARCOT-MARIE-TOOTH DISEASE, AXONAL, AUTOSOMAL DOMINANT, TYPE 2O; Charcot-Marie-Tooth disease, axonal, type 20. Identifiers: Orphanet 284232, MedGen C3280220, MONDO:0013644, OMIM 614228.

Allele frequency attached by ClinVar (database versions not stated): gnomAD 0.00007; TOPMed 0.00009; ExAC 0.00010; gnomAD exomes 0.00010; ESP Exome Variant Server 0.00038.
gnomAD v4.1: 309 of 1,613,612 alleles (0.019%); highest among the groups gnomAD compares: Non-Finnish European, 0.025%; no homozygotes.

Submissions (3):

Labcorp Genetics (formerly Invitae), Labcorp
Classification: Likely benign for Charcot-Marie-Tooth disease axonal type 2O. Last evaluated: 2025-11-23. Review status: criteria provided, single submitter. Criteria: Invitae Variant Classification Sherloc (09022015). Collection method: clinical testing. Allele origin: germline.

Blueprint Genetics
Classification: Likely benign. Last evaluated: 2024-10-24. Review status: criteria provided, single submitter. Criteria: ACMG Guidelines, 2015. Collection method: clinical testing. Allele origin: germline.

GeneDx
Classification: Likely benign. Last evaluated: 2016-03-15. Review status: criteria provided, single submitter. Criteria: GeneDx Variant Classification (06012015). Collection method: clinical testing. Allele origin: germline. Affected: yes.
Comment: This variant is considered likely benign or benign based on one or more of the following criteria: it is a conservative change, it occurs at a poorly conserved position in the protein, it is predicted to be benign by multiple in silico algorithms, and/or has population frequency not consistent with disease.

NM_001376.5(DYNC1H1):c.519-18T>C

Gene: DYNC1H1 (dynein cytoplasmic 1 heavy chain 1; plus strand). Cytogenetic location: 14q32.31.
Variant type: single nucleotide variant.
Coding change: c.519-18T>C on transcript NM_001376.5 (MANE Select); 18 bases into the intron before coding-DNA position 519, T replaced by C.
Molecular consequence: intron variant.
Genome position (GRCh38, 1-based): chr14:101,979,701, T>C. VCF-style: chr14-101979701-T-C. GRCh37 (hg19) VCF-style: chr14-102446038-T-C.
Identifiers: ClinVar variation 384412 (VCV000384412.9), dbSNP rs375656421, ClinGen allele CA7351546.